The following is an entry in ClinVar:

ClinVar aggregate classification (germline): Uncertain significance (1 of 4 stars; one submission).

Allele frequency attached by ClinVar (database versions not stated): gnomAD exomes below 0.00001.
gnomAD v4.1: 1 of 1,613,468 alleles (0.000062%); highest among the groups gnomAD compares: African/African-American, 0.0013%; no homozygotes.

Submission:

Labcorp Genetics (formerly Invitae), Labcorp
Classification: Uncertain significance. Last evaluated: 2022-07-01. Review status: criteria provided, single submitter. Criteria: Invitae Variant Classification Sherloc (09022015). Collection method: clinical testing. Allele origin: germline.
Comment: In summary, the available evidence is currently insufficient to determine the role of this variant in disease. Therefore, it has been classified as a Variant of Uncertain Significance. Algorithms developed to predict the effect of missense changes on protein structure and function (SIFT, PolyPhen-2, Align-GVGD) all suggest that this variant is likely to be tolerated. This variant has not been reported in the literature in individuals affected with PAFAH1B1-related conditions. This variant is present in population databases (no rsID available, gnomAD 0.007%). This sequence change replaces threonine, which is neutral and polar, with serine, which is neutral and polar, at codon 361 of the PAFAH1B1 protein (p.Thr361Ser).

NM_000430.4(PAFAH1B1):c.1081A>T (p.Thr361Ser)

Gene: PAFAH1B1 (platelet activating factor acetylhydrolase 1b regulatory subunit 1; plus strand). Cytogenetic location: 17p13.3.
Variant type: single nucleotide variant.
Coding change: c.1081A>T on transcript NM_000430.4 (MANE Select); coding-DNA position 1081, A replaced by T.
Protein change: p.Thr361Ser; replaces threonine 361 with serine.
Molecular consequence: missense variant.
Genome position (GRCh38, 1-based): chr17:2,680,242, A>T. VCF-style: chr17-2680242-A-T. GRCh37 (hg19) VCF-style: chr17-2583536-A-T.
Other names: short protein forms T361S.
Identifiers: ClinVar variation 2006405 (VCV002006405.4), dbSNP rs1272529010, ClinGen allele CA397642561.
Genomic context (GRCh38, chr17:2,680,242, plus strand): 5'-GTACGTGGAGTTCTGTTCCATTCTGGGGGGAAGTTTATTTTGAGTTGTGCTGATGACAAG[A>T]CCCTACGCGTATGGGATTACAAGAACAAGCGATGCATGAAGACCCTCAATGCGCATGAAC-3'
Protein context (NP_000421.1, residues 351-371): KFILSCADDK[Thr361Ser]LRVWDYKNKR